The following is an entry in ClinVar:

NM_004082.5(DCTN1):c.2551C>G (p.Leu851Val)

Gene: DCTN1 (dynactin subunit 1; minus strand). Cytogenetic location: 2p13.1.
Variant type: single nucleotide variant.
Coding change: c.2551C>G on transcript NM_004082.5 (MANE Select); coding-DNA position 2551, C replaced by G.
Protein change: p.Leu851Val; replaces leucine 851 with valine.
Molecular consequence: missense variant. On other transcripts: non-coding transcript variant (1).
Genome position (GRCh38, 1-based): chr2:74,366,536, G>C on the plus strand (C>G on the coding strand, the complement: DCTN1 is on the minus strand). VCF-style: chr2-74366536-G-C. GRCh37 (hg19) VCF-style: chr2-74593663-G-C.
Other names: c.2491C>G, p.Leu831Val (NM_001135040.3); c.2149C>G, p.Leu717Val (NM_001135041.3, NM_023019.4); c.2440C>G, p.Leu814Val (NM_001190836.2); c.2530C>G, p.Leu844Val (NM_001190837.2); c.2500C>G, p.Leu834Val (NM_001378991.1); c.2482C>G, p.Leu828Val (NM_001378992.1); short protein forms L814V, L831V, L717V, L844V, L851V, L828V, L834V.
Identifiers: ClinVar variation 654179 (VCV000654179.27), dbSNP rs72659379, ClinGen allele CA1721809.

ClinVar aggregate classification (germline): Conflicting classifications of pathogenicity. Review status: criteria provided, conflicting classifications (1 of 4 stars). 4 submissions from 4 submitters: Uncertain significance (3); Likely benign (1). Last evaluated 2026-05-04.

Conditions:
DCTN1-related disorder. Also called: DCTN1-related condition.
Inborn genetic diseases. Identifiers: MedGen C0950123, MeSH D030342.
Amyotrophic lateral sclerosis type 1 (ALS1). Also called: AMYOTROPHIC LATERAL SCLEROSIS 1, FAMILIAL. Identifiers: Orphanet 803, MedGen C1862939, MONDO:0007103, OMIM 105400.
Perry syndrome. Also called: PARKINSONISM WITH ALVEOLAR HYPOVENTILATION AND MENTAL DEPRESSION. Identifiers: Orphanet 178509, MedGen C1868594, MONDO:0008201, OMIM 168605.
Neuronopathy, distal hereditary motor, type 7B. Also called: LOWER MOTOR NEURON DISEASE, DYNACTIN TYPE; NEURONOPATHY, DISTAL HEREDITARY MOTOR, AUTOSOMAL DOMINANT 14; NEURONOPATHY, DISTAL HEREDITARY MOTOR, HARDING TYPE VIIB; NEUROPATHY, DISTAL HEREDITARY MOTOR, HARDING TYPE VIIB; NEUROPATHY, DISTAL HEREDITARY MOTOR, WITH VOCAL CORD PARALYSIS, HARDING TYPE VIIB; Distal Hereditary Motor Neuronopathy Type 7B (dHMN7B). Identifiers: Orphanet 139589, MedGen C1843315, MONDO:0011879, OMIM 607641.

Allele frequency attached by ClinVar (database versions not stated): ExAC 0.00004; gnomAD 0.00006 and 0.00008; gnomAD exomes 0.00006 and 0.00017; TOPMed 0.00010; 1000 Genomes Project 30x 0.00016; 1000 Genomes Project 0.00020.
gnomAD v4.1: 262 of 1,614,118 alleles (0.016%); highest among the groups gnomAD compares: Non-Finnish European, 0.021%; no homozygotes.

Submissions (4):

PreventionGenetics, part of Exact Sciences
Classification: Uncertain significance for DCTN1-related condition. Last evaluated: 2026-05-04. Review status: criteria provided, single submitter. Criteria: ACMG Guidelines, 2015. Collection method: clinical testing. Allele origin: germline.
Comment: The DCTN1 c.2551C>G variant is predicted to result in the amino acid substitution p.Leu851Val. This variant has been reported in three individuals with parkinsonism; however, pathogenicity was not established with functional or segregation analysis (Gustavsson et al. 2016. PubMed ID: 27132499). This variant is reported in 0.012% of alleles in individuals of European (non-Finnish) descent in gnomAD. Although we suspect that this variant may be benign, at this time, the clinical significance of this variant is uncertain due to the absence of conclusive functional and genetic evidence.

CeGaT Center for Human Genetics Tuebingen
Classification: Uncertain significance. Last evaluated: 2026-02-01. Review status: criteria provided, single submitter. Criteria: CeGaT Center For Human Genetics Tuebingen Variant Classification Criteria Version 2. Collection method: clinical testing. Allele origin: germline. Affected: yes. Observed: 2 variant alleles.

Labcorp Genetics (formerly Invitae), Labcorp
Classification: Uncertain significance for Amyotrophic lateral sclerosis type 1; Neuronopathy, distal hereditary motor, type 7B; Perry syndrome. Last evaluated: 2025-10-25. Review status: criteria provided, single submitter. Criteria: Invitae Variant Classification Sherloc (09022015). Collection method: clinical testing. Allele origin: germline.
Comment: This sequence change replaces leucine, which is neutral and non-polar, with valine, which is neutral and non-polar, at codon 851 of the DCTN1 protein (p.Leu851Val). This variant is present in population databases (rs72659379, gnomAD 0.01%). This missense change has been observed in individual(s) with parkinsonism (PMID: 27132499). ClinVar contains an entry for this variant (Variation ID: 654179). Invitae Evidence Modeling of protein sequence and biophysical properties (such as structural, functional, and spatial information, amino acid conservation, physicochemical variation, residue mobility, and thermodynamic stability) indicates that this missense variant is not expected to disrupt DCTN1 protein function with a negative predictive value of 95%. In summary, the available evidence is currently insufficient to determine the role of this variant in disease. Therefore, it has been classified as a Variant of Uncertain Significance.

Ambry Genetics
Classification: Likely benign for Inborn genetic diseases. Last evaluated: 2021-08-17. Review status: criteria provided, single submitter. Criteria: Ambry Variant Classification Scheme 2023. Collection method: clinical testing. Allele origin: germline.

Literature cited by the submitters: PubMed 27132499 (cited by Labcorp Genetics (formerly Invitae), Labcorp).